The following is an entry in ClinVar:

ClinVar aggregate classification (germline): Conflicting classifications of pathogenicity. Review status: criteria provided, conflicting classifications (1 of 4 stars). 7 submissions from 7 submitters: Uncertain significance (1); Benign (1); Likely benign (5). Last evaluated 2026-01-21.

Conditions:
Cardiovascular phenotype. Identifiers: MedGen CN230736.
Hypercholesterolemia, familial, 1. Also called: LDL RECEPTOR DISORDER; Hyperlipoproteinemia Type IIa; HYPER-LOW-DENSITY-LIPOPROTEINEMIA; HYPERCHOLESTEROLEMIC XANTHOMATOSIS, FAMILIAL; Fredrickson type IIa hyperlipoproteinemia; Hyperlipoproteinemia type 2. Identifiers: Orphanet 391665, MedGen C0745103, MONDO:0007750, OMIM 143890.
Familial hypercholesterolemia. Also called: Familial hypercholesterolemias; Familial hypercholesterolaemia. Identifiers: MedGen C0020445, MONDO:0005439.
Hypercholesterolemia, autosomal dominant, 3 (FHCL3). Also called: Familial Hypercholesterolemia, Autosomal Dominant, 3; PCSK9-Related Familial Hypercholesterolemia, Autosomal Dominant; Familial hypercholesterolemia 3. Identifiers: MedGen C1863551, MONDO:0011369, OMIM 603776.

Allele frequency attached by ClinVar (database versions not stated): gnomAD exomes 0.00019; ExAC 0.00063; gnomAD 0.00067; TOPMed 0.00078; 1000 Genomes Project 0.00100; ESP Exome Variant Server 0.00101; 1000 Genomes Project 30x 0.00125.
gnomAD v4.1: 211 of 1,577,326 alleles (0.013%); highest among the groups gnomAD compares: African/African-American, 0.23%; 1 homozygote.

Submissions (7):

Labcorp Genetics (formerly Invitae), Labcorp
Classification: Likely benign for Hypercholesterolemia, autosomal dominant, 3. Last evaluated: 2026-01-21. Review status: criteria provided, single submitter. Criteria: Invitae Variant Classification Sherloc (09022015). Collection method: clinical testing. Allele origin: germline.

Blueprint Genetics
Classification: Likely benign. Last evaluated: 2024-11-12. Review status: criteria provided, single submitter. Criteria: ACMG Guidelines, 2015. Collection method: clinical testing. Allele origin: germline.

Quest Diagnostics Nichols Institute San Juan Capistrano
Classification: Benign. Last evaluated: 2020-12-23. Review status: criteria provided, single submitter. Criteria: Quest Diagnostics criteria. Collection method: clinical testing. Allele origin: unknown.

GeneDx
Classification: Likely benign. Last evaluated: 2020-12-10. Review status: criteria provided, single submitter. Criteria: GeneDx Variant Classification Process June 2021. Collection method: clinical testing. Allele origin: germline. Affected: yes.
Comment: This variant is associated with the following publications: (PMID: 16465619)

Color Diagnostics, LLC DBA Color Health
Classification: Likely benign for Familial hypercholesterolemias. Last evaluated: 2018-03-26. Review status: criteria provided, single submitter. Criteria: ACMG Guidelines, 2015. Collection method: clinical testing. Allele origin: germline.

Ambry Genetics
Classification: Likely benign for Cardiovascular phenotype. Last evaluated: 2018-03-10. Review status: criteria provided, single submitter. Criteria: Ambry Variant Classification Scheme 2023. Collection method: clinical testing. Allele origin: germline.

Robarts Research Institute, Western University
Classification: Uncertain significance for Hypercholesterolemia, familial, 1. Last evaluated: 2018-01-02. Review status: criteria provided, single submitter. Criteria: ACMG Guidelines, 2015. Collection method: clinical testing. Allele origin: germline. Inheritance: Autosomal dominant inheritance. Affected: yes.

Literature cited by the submitters: PubMed 31993549 (cited by Quest Diagnostics Nichols Institute San Juan Capistrano); PubMed 16465619 (cited by Quest Diagnostics Nichols Institute San Juan Capistrano and Ambry Genetics).

NM_174936.4(PCSK9):c.169G>A (p.Glu57Lys)

Gene: PCSK9 (proprotein convertase subtilisin/kexin type 9; plus strand). Cytogenetic location: 1p32.3.
Variant type: single nucleotide variant.
Coding change: c.169G>A on transcript NM_174936.4 (MANE Select); coding-DNA position 169, G replaced by A.
Protein change: p.Glu57Lys; replaces glutamic acid 57 with lysine.
Molecular consequence: missense variant.
Genome position (GRCh38, 1-based): chr1:55,040,006, G>A. VCF-style: chr1-55040006-G-A. GRCh37 (hg19) VCF-style: chr1-55505679-G-A.
Other names: short protein forms E57K.
Identifiers: ClinVar variation 548104 (VCV000548104.20), dbSNP rs145886902, ClinGen allele CA038607.